The following is an entry in ClinVar:

NM_000018.4(ACADVL):c.278-31_278-18del

Gene: ACADVL (acyl-CoA dehydrogenase very long chain; plus strand). Cytogenetic location: 17p13.1.
Variant type: Deletion.
Coding change: c.278-31_278-18del on transcript NM_000018.4 (MANE Select); 31 bases into the intron before coding-DNA position 278 through 18 bases into the intron before coding-DNA position 278, 14 bases deleted (GCCTGACCAGCCTG).
Molecular consequence: intron variant.
Genome position (GRCh38, 1-based): chr17:7,220,735-7,220,748, GCCTGACCAGCCTG deleted; deleting any 14 consecutive bases within chr17:7,220,727-7,220,748 gives the same sequence; the c. name uses the placement nearest the transcript's 3' end. VCF-style (leftmost placement, unchanged base first): chr17-7220726-GCCAGCCTGGCCTGA-G. GRCh37 (hg19) VCF-style: chr17-7124045-GCCAGCCTGGCCTGA-G.
Other names: c.347-31_347-18del (NM_001270447.2); c.50-31_50-18del (NM_001270448.2); c.212-31_212-18del (NM_001033859.3); c.278-31_278-18del14 (NM_000018.4).
Identifiers: ClinVar variation 1678835 (VCV001678835.9), dbSNP rs2071164779, ClinGen allele CA2245698830.
Genomic context (GRCh38, chr17:7,220,726, plus strand): 5'-ATACCCGTCCGGTAAGGGAAGGGATAATCAGAGCTGGGTGGGGCCAGGGTGGTTTCCCCT[GCCAGCCTGGCCTGA>G]CCAGCCTGTCCCCCACCCTCTGCAGTGCTCAACGAAGAGCAGACACAGTTTCTTAAAGAG-3'

ClinVar aggregate classification (germline): Likely benign. Review status: criteria provided, multiple submitters, no conflicts (2 of 4 stars). 3 submissions from 3 submitters: Likely benign (3). Last evaluated 2025-10-31.

Conditions:
Very long chain acyl-CoA dehydrogenase deficiency (ACADVLD). Also called: Very Long-Chain Acyl-Coenzyme A Dehydrogenase Deficiency; VLCAD Deficiency. Identifiers: Orphanet 26793, MedGen C3887523, MONDO:0008723, OMIM 201475.

Submissions (3):

Women's Health and Genetics/Laboratory Corporation of America, LabCorp
Classification: Likely benign. Last evaluated: 2025-10-31. Review status: criteria provided, single submitter. Criteria: LabCorp Variant Classification Summary - May 2015. Collection method: clinical testing. Allele origin: germline.
Comment: Variant summary: ACADVL c.278-31_278-18del14 alters a nucleotide located at a position not widely known to affect splicing. Consensus agreement among computation tools predict no significant impact on normal splicing. However, these predictions have yet to be confirmed by functional studies. The variant was absent in 251378 control chromosomes. The available data on variant occurrences in the general population are insufficient to allow any conclusion about variant significance. c.278-31_278-18del14 has been reported in a newborn screening case that was positive for Very Long Chain Acyl-CoA Dehydrogenase Deficiency without strong evidence of causality (Wang_2019). This report does not provide unequivocal conclusions about association of the variant with Very Long Chain Acyl-CoA Dehydrogenase Deficiency. To our knowledge, no experimental evidence demonstrating an impact on protein function has been reported. The following publication has been ascertained in the context of this evaluation (PMID: 31737040). ClinVar contains an entry for this variant (Variation ID: 1678835). Based on the evidence outlined above, the variant was classified as likely benign.

Labcorp Genetics (formerly Invitae), Labcorp
Classification: Likely benign for Very long chain acyl-CoA dehydrogenase deficiency. Last evaluated: 2022-08-05. Review status: criteria provided, single submitter. Criteria: Invitae Variant Classification Sherloc (09022015). Collection method: clinical testing. Allele origin: germline.

GeneDx
Classification: Likely benign. Last evaluated: 2020-02-13. Review status: criteria provided, single submitter. Criteria: GeneDx Variant Classification Process June 2021. Collection method: clinical testing. Allele origin: germline. Affected: yes.
Comment: See Variant Classification Assertion Criteria.

Literature cited by the submitters: PubMed 31737040 (cited by Women's Health and Genetics/Laboratory Corporation of America, LabCorp).